The following is an entry in ClinVar:

ClinVar aggregate classification (germline): Uncertain significance (0 of 4 stars; one submission).

Conditions:
NEFH-related disorder. Also called: NEFH-related condition.

gnomAD v4.1: 3 of 1,613,390 alleles (0.00019%); highest among the groups gnomAD compares: African/African-American, 0.004%; no homozygotes.

Submission:

PreventionGenetics, part of Exact Sciences
Classification: Uncertain significance for NEFH-related condition. Last evaluated: 2024-05-31. Review status: no assertion criteria provided. Collection method: clinical testing. Allele origin: germline.
Comment: The NEFH c.1081C>T variant is predicted to result in premature protein termination (p.Gln361*). To our knowledge, this variant has not been reported in the literature. This variant is reported in 0.023% of alleles in individuals of African descent in gnomAD. Loss of function has not been established as a mechanism for NEFH-related disorders. At this time, the clinical significance of this variant is uncertain due to the absence of conclusive functional and genetic evidence.

NM_021076.4(NEFH):c.1081C>T (p.Gln361Ter)

Gene: NEFH (neurofilament heavy chain; plus strand). Cytogenetic location: 22q12.2.
Variant type: single nucleotide variant.
Coding change: c.1081C>T on transcript NM_021076.4 (MANE Select); coding-DNA position 1081, C replaced by T.
Protein change: p.Gln361Ter; replaces glutamine 361 with a stop codon.
Molecular consequence: nonsense.
Genome position (GRCh38, 1-based): chr22:29,483,572, C>T. VCF-style: chr22-29483572-C-T. GRCh37 (hg19) VCF-style: chr22-29879561-C-T.
Other names: short protein forms Q361*.
Identifiers: ClinVar variation 3345649 (VCV003345649.1).